The following is an entry in ClinVar:

ClinVar aggregate classification (germline): Uncertain significance (1 of 4 stars; one submission).

Submission:

Labcorp Genetics (formerly Invitae), Labcorp
Classification: Uncertain significance. Last evaluated: 2021-07-18. Review status: criteria provided, single submitter. Criteria: Invitae Variant Classification Sherloc (09022015). Collection method: clinical testing. Allele origin: germline.
Comment: This variant has not been reported in the literature in individuals affected with ARMC9-related conditions. Experimental studies and prediction algorithms are not available or were not evaluated, and the functional significance of this variant is currently unknown. In summary, the available evidence is currently insufficient to determine the role of this variant in disease. Therefore, it has been classified as a Variant of Uncertain Significance. This sequence change replaces leucine with serine at codon 56 of the ARMC9 protein (p.Leu56Ser). The leucine residue is moderately conserved and there is a large physicochemical difference between leucine and serine. This variant is not present in population databases (ExAC no frequency).

NM_001352754.2(ARMC9):c.167T>C (p.Leu56Ser)

Gene: ARMC9 (armadillo repeat containing 9; plus strand). Cytogenetic location: 2q37.1.
Variant type: single nucleotide variant.
Coding change: c.167T>C on transcript NM_001352754.2 (MANE Select); coding-DNA position 167, T replaced by C.
Protein change: p.Leu56Ser; replaces leucine 56 with serine.
Molecular consequence: missense variant. On other transcripts: non-coding transcript variant (1).
Genome position (GRCh38, 1-based): chr2:231,208,242, T>C. VCF-style: chr2-231208242-T-C. GRCh37 (hg19) VCF-style: chr2-232072955-T-C.
Other names: c.167T>C, p.Leu56Ser (NM_001271466.4, NM_001291656.2, NM_001352755.2 and 5 more transcripts); short protein forms L56S.
Identifiers: ClinVar variation 1438979 (VCV001438979.6), dbSNP rs2125309600, ClinGen allele CA350944626.